The following is an entry in ClinVar:

ClinVar aggregate classification (germline): Conflicting classifications of pathogenicity. Review status: criteria provided, conflicting classifications (1 of 4 stars). 5 submissions from 5 submitters: Uncertain significance (4); Likely benign (1). Last evaluated 2025-11-05.

Conditions:
Catecholaminergic polymorphic ventricular tachycardia (CVPT). Also called: Catecholamine-induced polymorphic ventricular tachycardia. Identifiers: Orphanet 3286, MedGen C5574922, MONDO:0017990.
Cardiovascular phenotype. Identifiers: MedGen CN230736.
Cardiomyopathy (CMYO). Also called: Cardiomyopathies. Identifiers: Orphanet 167848, MedGen C0878544, MONDO:0004994, HP:0001638. Inheritance: Various modes of inheritance.
Catecholaminergic polymorphic ventricular tachycardia 1. Also called: VENTRICULAR TACHYCARDIA, CATECHOLAMINERGIC POLYMORPHIC, 1, WITH OR WITHOUT ATRIAL DYSFUNCTION AND/OR DILATED CARDIOMYOPATHY; VENTRICULAR TACHYCARDIA, STRESS-INDUCED POLYMORPHIC 1; RYR2-Related Catecholaminergic Polymorphic Ventricular Tachycardia. Identifiers: Orphanet 3286, MedGen C1631597, MONDO:0011484, OMIM 604772.

Allele frequency attached by ClinVar (database versions not stated): gnomAD 0.00001.
gnomAD v4.1: 25 of 1,549,644 alleles (0.0016%); highest among the groups gnomAD compares: African/African-American, 0.0028%; no homozygotes.

Submissions (5):

Labcorp Genetics (formerly Invitae), Labcorp
Classification: Uncertain significance for Catecholaminergic polymorphic ventricular tachycardia 1. Last evaluated: 2025-11-05. Review status: criteria provided, single submitter. Criteria: Invitae Variant Classification Sherloc (09022015). Collection method: clinical testing. Allele origin: germline.
Comment: This sequence change replaces arginine, which is basic and polar, with cysteine, which is neutral and slightly polar, at codon 929 of the RYR2 protein (p.Arg929Cys). The frequency data for this variant in the population databases is considered unreliable, as metrics indicate poor data quality at this position in the gnomAD database. This variant has not been reported in the literature in individuals affected with RYR2-related conditions. ClinVar contains an entry for this variant (Variation ID: 2074093). Invitae Evidence Modeling of protein sequence and biophysical properties (such as structural, functional, and spatial information, amino acid conservation, physicochemical variation, residue mobility, and thermodynamic stability) has been performed for this missense variant. However, the output from this modeling did not meet the statistical confidence thresholds required to predict the impact of this variant on RYR2 protein function. In summary, the available evidence is currently insufficient to determine the role of this variant in disease. Therefore, it has been classified as a Variant of Uncertain Significance.

All of Us Research Program, National Institutes of Health
Classification: Uncertain significance for Catecholaminergic polymorphic ventricular tachycardia. Last evaluated: 2024-04-16. Review status: criteria provided, single submitter. Criteria: ACMG Guidelines, 2015. Collection method: clinical testing. Allele origin: germline. Inheritance: Autosomal dominant inheritance. Observed: 5 variant alleles, 5 heterozygotes.
Comment: This missense variant replaces arginine with cysteine at codon 929 of the RYR2 protein. Computational prediction suggests that this variant may have deleterious impact on protein structure and function (internally defined REVEL score threshold >= 0.7, PMID: 27666373). To our knowledge, functional studies have not been reported for this variant. This variant has not been reported in individuals affected with RYR2-related disorders in the literature. This variant has been identified in 1/192794 chromosomes in the general population by the Genome Aggregation Database (gnomAD). The available evidence is insufficient to determine the role of this variant in disease conclusively. Therefore, this variant is classified as a Variant of Uncertain Significance.

This study involves interpretation of variants in research participants for the purpose of population health screening. Participant phenotype was not available at the time of variant classification. Additional details can be found in publication PMID: 35346344, PMCID: PMC8962531

Color Diagnostics, LLC DBA Color Health
Classification: Uncertain significance for Cardiomyopathy. Last evaluated: 2024-04-03. Review status: criteria provided, single submitter. Criteria: ACMG Guidelines, 2015. Collection method: clinical testing. Allele origin: germline.
Comment: This missense variant replaces arginine with cysteine at codon 929 of the RYR2 protein. Computational prediction suggests that this variant may have deleterious impact on protein structure and function (internally defined REVEL score threshold >= 0.7, PMID: 27666373). To our knowledge, functional studies have not been reported for this variant. This variant has not been reported in individuals affected with RYR2-related disorders in the literature. This variant has been identified in 1/192794 chromosomes in the general population by the Genome Aggregation Database (gnomAD). The available evidence is insufficient to determine the role of this variant in disease conclusively. Therefore, this variant is classified as a Variant of Uncertain Significance.

Ambry Genetics
Classification: Uncertain significance for Cardiovascular phenotype. Last evaluated: 2024-03-08. Review status: criteria provided, single submitter. Criteria: Ambry Variant Classification Scheme 2023. Collection method: clinical testing. Allele origin: germline.
Comment: The p.R929C variant (also known as c.2785C>T), located in coding exon 24 of the RYR2 gene, results from a C to T substitution at nucleotide position 2785. The arginine at codon 929 is replaced by cysteine, an amino acid with highly dissimilar properties. This amino acid position is highly conserved in available vertebrate species. In addition, the in silico prediction for this alteration is inconclusive. Based on the available evidence, the clinical significance of this alteration remains unclear.

Blueprint Genetics
Classification: Likely benign. Last evaluated: 2022-06-09. Review status: criteria provided, single submitter. Criteria: ACMG Guidelines, 2015. Collection method: clinical testing. Allele origin: germline.

NM_001035.3(RYR2):c.2785C>T (p.Arg929Cys)

Gene: RYR2 (ryanodine receptor 2; plus strand). Cytogenetic location: 1q43.
Variant type: single nucleotide variant.
Coding change: c.2785C>T on transcript NM_001035.3 (MANE Select); coding-DNA position 2785, C replaced by T.
Protein change: p.Arg929Cys; replaces arginine 929 with cysteine.
Molecular consequence: missense variant.
Genome position (GRCh38, 1-based): chr1:237,511,754, C>T. VCF-style: chr1-237511754-C-T. GRCh37 (hg19) VCF-style: chr1-237675054-C-T.
Other names: c.2785C>T (NM_001035.2); short protein forms R929C.
Identifiers: ClinVar variation 2074093 (VCV002074093.9), dbSNP rs528906699, ClinGen allele CA070220.